The following is an entry in ClinVar:

NM_005655.4(KLF10):c.946G>A (p.Ala316Thr)

Gene: KLF10 (KLF transcription factor 10; minus strand). Cytogenetic location: 8q22.3.
Variant type: single nucleotide variant.
Coding change: c.946G>A on transcript NM_005655.4 (MANE Select); coding-DNA position 946, G replaced by A.
Protein change: p.Ala316Thr; replaces alanine 316 with threonine.
Molecular consequence: missense variant.
Genome position (GRCh38, 1-based): chr8:102,651,386, C>T on the plus strand (G>A on the coding strand, the complement: KLF10 is on the minus strand). VCF-style: chr8-102651386-C-T. GRCh37 (hg19) VCF-style: chr8-103663614-C-T.
Other names: c.946G>A (NM_005655.3); c.913G>A, p.Ala305Thr (NM_001032282.4); short protein forms A316T, A305T.
Identifiers: ClinVar variation 1478613 (VCV001478613.9), dbSNP rs141560064, ClinGen allele CA4833505.
Genomic context (GRCh38, chr8:102,651,386, plus strand): 5'-GGCTCACCACCGGAGGCTTTGAACTCTGCACAACGGGCTGGGGTACCACAAACATGACAG[C>T]GCCTTTGGGGACTTGTGTGCCCATGAACACAACAGGGGGGCAAACGGCTGGTGGCTGGCT-3'
Protein context (NP_005646.1, residues 306-326): VFMGTQVPKG[Ala316Thr]VMFVVPQPVV

ClinVar aggregate classification (germline): Uncertain significance. Review status: criteria provided, multiple submitters, no conflicts (2 of 4 stars). 3 submissions from 3 submitters: Uncertain significance (2). 1 of the submissions does not count toward it. Last evaluated 2026-01-26.

Conditions:
KLF10-related disorder. Also called: KLF10-related condition.

Allele frequency attached by ClinVar (database versions not stated): 1000 Genomes Project 30x 0.00047; 1000 Genomes Project 0.00060; ExAC 0.00080; gnomAD exomes 0.00087 and 0.00141; gnomAD 0.00115 and 0.00118; TOPMed 0.00122; ESP Exome Variant Server 0.00131.
gnomAD v4.1: 2,222 of 1,605,260 alleles (0.14%); highest among the groups gnomAD compares: Non-Finnish European, 0.17%; 4 homozygotes.

Submissions (3):

Labcorp Genetics (formerly Invitae), Labcorp
Classification: Uncertain significance. Last evaluated: 2026-01-26. Review status: criteria provided, single submitter. Criteria: Invitae Variant Classification Sherloc (09022015). Collection method: clinical testing. Allele origin: germline.
Comment: This sequence change replaces alanine, which is neutral and non-polar, with threonine, which is neutral and polar, at codon 316 of the KLF10 protein (p.Ala316Thr). This variant is present in population databases (rs141560064, gnomAD 0.2%), and has an allele count higher than expected for a pathogenic variant. This variant has not been reported in the literature in individuals affected with KLF10-related conditions. ClinVar contains an entry for this variant (Variation ID: 1478613). An algorithm developed to predict the effect of missense changes on protein structure and function outputs the following: PolyPhen-2: "Benign". The threonine amino acid residue is found in multiple mammalian species, which suggests that this missense change does not adversely affect protein function. In summary, the available evidence is currently insufficient to determine the role of this variant in disease. Therefore, it has been classified as a Variant of Uncertain Significance.

Breakthrough Genomics
Classification: Uncertain significance. Review status: criteria provided, single submitter. Criteria: ACMG Guidelines, 2015. Collection method: not provided. Allele origin: germline. Inheritance: Autosomal recessive inheritance. Affected: yes.

PreventionGenetics, part of Exact Sciences
Classification: Likely benign for KLF10-related condition. Last evaluated: 2022-02-22. Review status: no assertion criteria provided. Collection method: clinical testing. Allele origin: germline. Not counted in ClinVar's aggregate classification.
Comment: This variant is classified as likely benign based on ACMG/AMP sequence variant interpretation guidelines (Richards et al. 2015 PMID: 25741868, with internal and published modifications).